The following is an entry in ClinVar:

ClinVar aggregate classification (germline): Likely pathogenic (1 of 4 stars; one submission).

Conditions:
Familial adenomatous polyposis 1 (FAP1). Also called: POLYPOSIS, ADENOMATOUS INTESTINAL; FAMILIAL ADENOMATOUS POLYPOSIS 1, ATTENUATED. Identifiers: MedGen C2713442, MONDO:0021056, OMIM 175100. Disease mechanism: loss of function.

Submission:

MGZ Medical Genetics Center
Classification: Likely pathogenic for Familial adenomatous polyposis 1. Last evaluated: 2022-07-11. Review status: criteria provided, single submitter. Criteria: ACMG Guidelines, 2015. Collection method: clinical testing. Allele origin: germline. Affected: yes. Observed: 2 variant alleles.
Comment: ACMG criteria applied: PVS1, PM2_SUP

NM_000038.6(APC):c.3024dup (p.His1009fs)

Gene: APC (APC regulator of Wnt signaling pathway; plus strand). Cytogenetic location: 5q22.2.
Variant type: Duplication.
Coding change: c.3024dup on transcript NM_000038.6 (MANE Select); coding-DNA position 3024, one base duplicated (A; older notation c.3024dupA).
Protein change: p.His1009fs; shifts the reading frame from histidine 1009.
Molecular consequence: frameshift variant.
Genome position (GRCh38, 1-based): chr5:112,838,618, A duplicated. VCF-style (leftmost placement, unchanged base first): chr5-112838617-T-TA. GRCh37 (hg19) VCF-style: chr5-112174314-T-TA.
Other names: c.3024dup, p.His1009fs (NM_001127510.3, NM_001354895.2); c.2970dup, p.His991fs (NM_001127511.3); c.3078dup, p.His1027fs (NM_001354896.2); c.3054dup, p.His1019fs (NM_001354897.2); c.2949dup, p.His984fs (NM_001354898.2); c.2940dup, p.His981fs (NM_001354899.2); c.2901dup, p.His968fs (NM_001354900.2); c.2847dup, p.His950fs (NM_001354901.2); and 16 more; short protein forms H1009fs, H1019fs, H1027fs, H726fs, H849fs, H883fs, H908fs, H918fs.
Identifiers: ClinVar variation 1709677 (VCV001709677.2), dbSNP rs2533465887, ClinGen allele CA2580072818.